The following is an entry in ClinVar:

NM_021098.3(CACNA1H):c.6446G>A (p.Arg2149Gln)

Gene: CACNA1H (calcium voltage-gated channel subunit alpha1 H; plus strand). Cytogenetic location: 16p13.3.
Variant type: single nucleotide variant.
Coding change: c.6446G>A on transcript NM_021098.3 (MANE Select); coding-DNA position 6446, G replaced by A.
Protein change: p.Arg2149Gln; replaces arginine 2149 with glutamine.
Molecular consequence: missense variant.
Genome position (GRCh38, 1-based): chr16:1,220,378, G>A. VCF-style: chr16-1220378-G-A. GRCh37 (hg19) VCF-style: chr16-1270378-G-A.
Other names: c.6428G>A, p.Arg2143Gln (NM_001005407.2); short protein forms R2143Q, R2149Q.
Identifiers: ClinVar variation 1055454 (VCV001055454.9), dbSNP rs762634881, ClinGen allele CA7802364.

ClinVar aggregate classification (germline): Uncertain significance (1 of 4 stars; one submission).

Conditions:
Idiopathic generalized epilepsy. Also called: Generalised epilepsy; EIG. Identifiers: MedGen C0270850, MONDO:0005579, OMIM 600669.
Hyperaldosteronism, familial, type IV (HALD4). Also called: FH IV; ALDOSTERONISM, PRIMARY, AND HYPERTENSION. Identifiers: Orphanet 642671, MedGen C4310756, MONDO:0014875, OMIM 617027.

Allele frequency attached by ClinVar (database versions not stated): gnomAD exomes 0.00003; gnomAD 0.00005; ExAC 0.00001; TOPMed 0.00009.
gnomAD v4.1: 45 of 1,523,562 alleles (0.003%); highest among the groups gnomAD compares: African/African-American, 0.013%; no homozygotes.

Submission:

Labcorp Genetics (formerly Invitae), Labcorp
Classification: Uncertain significance for Idiopathic generalized epilepsy; Hyperaldosteronism, familial, type IV. Last evaluated: 2025-06-12. Review status: criteria provided, single submitter. Criteria: Invitae Variant Classification Sherloc (09022015). Collection method: clinical testing. Allele origin: germline.
Comment: This sequence change replaces arginine, which is basic and polar, with glutamine, which is neutral and polar, at codon 2149 of the CACNA1H protein (p.Arg2149Gln). The frequency data for this variant in the population databases is considered unreliable, as metrics indicate poor data quality at this position in the gnomAD database. This variant has not been reported in the literature in individuals affected with CACNA1H-related conditions. ClinVar contains an entry for this variant (Variation ID: 1055454). Invitae Evidence Modeling of protein sequence and biophysical properties (such as structural, functional, and spatial information, amino acid conservation, physicochemical variation, residue mobility, and thermodynamic stability) indicates that this missense variant is not expected to disrupt CACNA1H protein function with a negative predictive value of 80%. In summary, the available evidence is currently insufficient to determine the role of this variant in disease. Therefore, it has been classified as a Variant of Uncertain Significance.